The following is an entry in ClinVar:

NM_018979.4(WNK1):c.4481C>T (p.Thr1494Ile)

Gene: WNK1 (WNK lysine deficient protein kinase 1; plus strand). Cytogenetic location: 12p13.33.
Variant type: single nucleotide variant.
Coding change: c.4481C>T on transcript NM_018979.4 (MANE Select); coding-DNA position 4481, C replaced by T.
Protein change: p.Thr1494Ile; replaces threonine 1494 with isoleucine.
Molecular consequence: missense variant.
Genome position (GRCh38, 1-based): chr12:885,285, C>T. VCF-style: chr12-885285-C-T. GRCh37 (hg19) VCF-style: chr12-994451-C-T.
Other names: c.5261C>T, p.Thr1754Ile (NM_001184985.2); c.3740C>T, p.Thr1247Ile (NM_014823.3); c.5237C>T, p.Thr1746Ile (NM_213655.5); short protein forms T1754I, T1247I, T1494I, T1746I.
Identifiers: ClinVar variation 1035430 (VCV001035430.10), dbSNP rs775967609, ClinGen allele CA6382982.

ClinVar aggregate classification (germline): Uncertain significance. Review status: criteria provided, multiple submitters, no conflicts (2 of 4 stars). 2 submissions from 2 submitters: Uncertain significance (2). Last evaluated 2025-10-10.

Conditions:
Neuropathy, hereditary sensory and autonomic, type 2A (HSAN2A). Also called: MORVAN DISEASE; NEUROPATHY, CONGENITAL SENSORY; NEUROPATHY, HEREDITARY SENSORY RADICULAR, AUTOSOMAL RECESSIVE; NEUROPATHY, HEREDITARY SENSORY, TYPE IIA; NEUROPATHY, PROGRESSIVE SENSORY, OF CHILDREN; WNK1-Related HSAN2 (HSAN2A). Identifiers: Orphanet 970, MedGen C2752089, MONDO:0024309, OMIM 201300.
Pseudohypoaldosteronism type 2C (PHA2C). Also called: Pseudohypoaldosteronism Type IIC. Identifiers: Orphanet 757, Orphanet 88940, MedGen C1840391, MONDO:0013778, OMIM 614492.
Inborn genetic diseases. Identifiers: MedGen C0950123, MeSH D030342.

Allele frequency attached by ClinVar (database versions not stated): gnomAD exomes below 0.00001; ExAC 0.00001.
gnomAD v4.1: 1 of 1,614,206 alleles (0.000062%); highest among the groups gnomAD compares: South Asian, 0.0011%; no homozygotes.

Submissions (2):

Labcorp Genetics (formerly Invitae), Labcorp
Classification: Uncertain significance for Neuropathy, hereditary sensory and autonomic, type 2A; Pseudohypoaldosteronism type 2C. Last evaluated: 2025-10-10. Review status: criteria provided, single submitter. Criteria: Invitae Variant Classification Sherloc (09022015). Collection method: clinical testing. Allele origin: germline.
Comment: This sequence change replaces threonine, which is neutral and polar, with isoleucine, which is neutral and non-polar, at codon 1746 of the WNK1 protein (p.Thr1746Ile). This variant is not present in population databases (gnomAD no frequency). This variant has not been reported in the literature in individuals affected with WNK1-related conditions. ClinVar contains an entry for this variant (Variation ID: 1035430). Invitae Evidence Modeling of protein sequence and biophysical properties (such as structural, functional, and spatial information, amino acid conservation, physicochemical variation, residue mobility, and thermodynamic stability) indicates that this missense variant is not expected to disrupt WNK1 protein function with a negative predictive value of 95%. In summary, the available evidence is currently insufficient to determine the role of this variant in disease. Therefore, it has been classified as a Variant of Uncertain Significance.

Ambry Genetics
Classification: Uncertain significance for Inborn genetic diseases. Last evaluated: 2021-10-12. Review status: criteria provided, single submitter. Criteria: Ambry Variant Classification Scheme 2023. Collection method: clinical testing. Allele origin: germline.
Comment: The p.T1746I variant (also known as c.5237C>T), located in coding exon 19 of the WNK1 gene, results from a C to T substitution at nucleotide position 5237. The threonine at codon 1746 is replaced by isoleucine, an amino acid with similar properties. This amino acid position is poorly conserved in available vertebrate species. In addition, this alteration is predicted to be tolerated by in silico analysis. Since supporting evidence is limited at this time, the clinical significance of this alteration remains unclear.